The following is an entry in ClinVar:

NM_197968.4(ZMYM2):c.440A>C (p.Lys147Thr)

Gene: ZMYM2 (zinc finger MYM-type containing 2; plus strand). Cytogenetic location: 13q12.11.
Variant type: single nucleotide variant.
Coding change: c.440A>C on transcript NM_197968.4 (MANE Select); coding-DNA position 440, A replaced by C.
Protein change: p.Lys147Thr; replaces lysine 147 with threonine.
Molecular consequence: missense variant. On other transcripts: non-coding transcript variant (1).
Genome position (GRCh38, 1-based): chr13:19,993,512, A>C. VCF-style: chr13-19993512-A-C. GRCh37 (hg19) VCF-style: chr13-20567652-A-C.
Other names: c.440A>C, p.Lys147Thr (NM_001190964.4, NM_001190965.4, NM_001353157.2 and 6 more transcripts); c.506A>C, p.Lys169Thr (NM_001353161.3); short protein forms K147T, K169T.
Identifiers: ClinVar variation 4721788 (VCV004721788.1).

ClinVar aggregate classification (germline): Uncertain significance (1 of 4 stars; one submission).

gnomAD v4.1: 4 of 1,613,942 alleles (0.00025%); highest among the groups gnomAD compares: Non-Finnish European, 0.00034%; no homozygotes.

Submission:

Labcorp Genetics (formerly Invitae), Labcorp
Classification: Uncertain significance. Last evaluated: 2025-07-01. Review status: criteria provided, single submitter. Criteria: Invitae Variant Classification Sherloc (09022015). Collection method: clinical testing. Allele origin: germline.
Comment: This sequence change replaces lysine, which is basic and polar, with threonine, which is neutral and polar, at codon 147 of the ZMYM2 protein (p.Lys147Thr). This variant is present in population databases (rs777038346, gnomAD 0.0009%). This variant has not been reported in the literature in individuals affected with ZMYM2-related conditions. An algorithm developed to predict the effect of missense changes on protein structure and function (PolyPhen-2) suggests that this variant is likely to be tolerated. In summary, the available evidence is currently insufficient to determine the role of this variant in disease. Therefore, it has been classified as a Variant of Uncertain Significance.